The following is an entry in ClinVar:

ClinVar aggregate classification (germline): Uncertain significance. Review status: criteria provided, multiple submitters, no conflicts (2 of 4 stars). 3 submissions from 3 submitters: Uncertain significance (3). Last evaluated 2025-01-21.

Conditions:
Fanconi anemia (FA). Also called: Fanconi's anemia. Identifiers: Orphanet 84, MedGen C0015625, MeSH D005199, MONDO:0019391.
Fanconi anemia complementation group P. Also called: SLX4-Related Fanconi Anemia. Identifiers: Orphanet 84, MedGen C3469542, MONDO:0013499, OMIM 613951.

Allele frequency attached by ClinVar (database versions not stated): ExAC 0.00002; gnomAD exomes 0.00002; gnomAD 0.00003; TOPMed 0.00005; 1000 Genomes Project 30x 0.00016; 1000 Genomes Project 0.00020.

Submissions (3):

Labcorp Genetics (formerly Invitae), Labcorp
Classification: Uncertain significance for Fanconi anemia. Last evaluated: 2025-01-21. Review status: criteria provided, single submitter. Criteria: Invitae Variant Classification Sherloc (09022015). Collection method: clinical testing. Allele origin: germline.
Comment: This sequence change replaces arginine, which is basic and polar, with glutamine, which is neutral and polar, at codon 398 of the SLX4 protein (p.Arg398Gln). This variant is present in population databases (rs200030312, gnomAD 0.005%). This variant has not been reported in the literature in individuals affected with SLX4-related conditions. ClinVar contains an entry for this variant (Variation ID: 888551). An algorithm developed to predict the effect of missense changes on protein structure and function (PolyPhen-2) suggests that this variant is likely to be disruptive. In summary, the available evidence is currently insufficient to determine the role of this variant in disease. Therefore, it has been classified as a Variant of Uncertain Significance.

Blueprint Genetics
Classification: Uncertain significance. Last evaluated: 2023-07-05. Review status: criteria provided, single submitter. Criteria: ACMG Guidelines, 2015. Collection method: clinical testing. Allele origin: germline.

Illumina Laboratory Services, Illumina
Classification: Uncertain significance for Fanconi anemia complementation group P. Last evaluated: 2018-01-12. Review status: criteria provided, single submitter. Criteria: ICSL Variant Classification Criteria 13 December 2019. Collection method: clinical testing. Allele origin: germline.

NM_032444.4(SLX4):c.1193G>A (p.Arg398Gln)

Gene: SLX4 (SLX4 structure-specific endonuclease subunit; minus strand). Cytogenetic location: 16p13.3.
Variant type: single nucleotide variant.
Coding change: c.1193G>A on transcript NM_032444.4 (MANE Select); coding-DNA position 1193, G replaced by A.
Protein change: p.Arg398Gln; replaces arginine 398 with glutamine.
Molecular consequence: missense variant.
Genome position (GRCh38, 1-based): chr16:3,597,970, C>T on the plus strand (G>A on the coding strand, the complement: SLX4 is on the minus strand). VCF-style: chr16-3597970-C-T. GRCh37 (hg19) VCF-style: chr16-3647971-C-T.
Other names: short protein forms R398Q.
Identifiers: ClinVar variation 888551 (VCV000888551.12), dbSNP rs200030312, ClinGen allele CA7866597.